The following is an entry in ClinVar:

ClinVar aggregate classification (germline): Uncertain significance. Review status: criteria provided, multiple submitters, no conflicts (2 of 4 stars). 2 submissions from 2 submitters: Uncertain significance (2). Last evaluated 2024-08-31.

Conditions:
Charcot-Marie-Tooth disease axonal type 2P. Also called: CHARCOT-MARIE-TOOTH DISEASE, AXONAL, TYPE 2G; CMT 2G; CHARCOT-MARIE-TOOTH NEUROPATHY, TYPE 2P; Charcot-Marie-Tooth Neuropathy Type 2G. Identifiers: Orphanet 300319, Orphanet 99941, MedGen C3280797, MONDO:0013753, OMIM 614436.

Allele frequency attached by ClinVar (database versions not stated): gnomAD exomes below 0.00001 and 0.00003; ExAC 0.00003; TOPMed 0.00008; gnomAD 0.00011 and 0.00014; ESP Exome Variant Server 0.00015; 1000 Genomes Project 0.00020; 1000 Genomes Project 30x 0.00031.
gnomAD v4.1: 24 of 1,613,896 alleles (0.0015%); highest among the groups gnomAD compares: African/African-American, 0.029%; no homozygotes.

Submissions (2):

Labcorp Genetics (formerly Invitae), Labcorp
Classification: Uncertain significance for Charcot-Marie-Tooth disease axonal type 2P. Last evaluated: 2024-08-31. Review status: criteria provided, single submitter. Criteria: Invitae Variant Classification Sherloc (09022015). Collection method: clinical testing. Allele origin: germline.
Comment: This sequence change replaces glutamine, which is neutral and polar, with arginine, which is basic and polar, at codon 21 of the LRSAM1 protein (p.Gln21Arg). This variant is present in population databases (rs372408222, gnomAD 0.04%). This missense change has been observed in individual(s) with clinical features of LRSAM1-related conditions (internal data). ClinVar contains an entry for this variant (Variation ID: 1449877). Invitae Evidence Modeling of protein sequence and biophysical properties (such as structural, functional, and spatial information, amino acid conservation, physicochemical variation, residue mobility, and thermodynamic stability) indicates that this missense variant is not expected to disrupt LRSAM1 protein function with a negative predictive value of 80%. In summary, the available evidence is currently insufficient to determine the role of this variant in disease. Therefore, it has been classified as a Variant of Uncertain Significance.

Mayo Clinic Laboratories, Mayo Clinic
Classification: Uncertain significance. Last evaluated: 2023-11-01. Review status: criteria provided, single submitter. Criteria: ACMG Guidelines, 2015. Collection method: clinical testing. Allele origin: germline. Observed: 1 variant allele.
Comment: BP4

NM_001005373.4(LRSAM1):c.62A>G (p.Gln21Arg)

Gene: LRSAM1 (leucine rich repeat and sterile alpha motif containing 1; plus strand). Cytogenetic location: 9q33.3.
Variant type: single nucleotide variant.
Coding change: c.62A>G on transcript NM_001005373.4 (MANE Select); coding-DNA position 62, A replaced by G.
Protein change: p.Gln21Arg; replaces glutamine 21 with arginine.
Molecular consequence: missense variant. On other transcripts: 5 prime UTR variant (1), non-coding transcript variant (2).
Genome position (GRCh38, 1-based): chr9:127,454,589, A>G. VCF-style: chr9-127454589-A-G. GRCh37 (hg19) VCF-style: chr9-130216868-A-G.
Other names: p.Gln21Arg; c.62A>G, p.Gln21Arg (NM_001005374.4, NM_001190723.3, NM_001384142.1 and 2 more transcripts); c.-723A>G (NM_001384144.1); short protein forms Q21R.
Identifiers: ClinVar variation 1449877 (VCV001449877.9), dbSNP rs372408222, ClinGen allele CA5246356.
Genomic context (GRCh38, chr9:127,454,589, plus strand): 5'-TGCCGCTCTTCTTCCGGAAGCGGAAACCCAGTGAGGAGGCTCGGAAACGCCTGGAGTACC[A>G]GATGTGTTTGGTGAGGGAAAGTGGGTTTCCTCTAACTCTATCCCATCTCCTCCTCGGTCC-3'
Protein context (NP_001005373.1, residues 11-31): SEEARKRLEY[Gln21Arg]MCLAKEAGAD